The following is an entry in ClinVar:

ClinVar aggregate classification (germline): Uncertain significance (1 of 4 stars; one submission).

gnomAD v4.1: 3 of 1,612,682 alleles (0.00019%); highest among the groups gnomAD compares: Non-Finnish European, 0.00025%; no homozygotes.

Submission:

Women's Health and Genetics/Laboratory Corporation of America, LabCorp
Classification: Uncertain significance. Last evaluated: 2025-01-03. Review status: criteria provided, single submitter. Criteria: LabCorp Variant Classification Summary - May 2015. Collection method: clinical testing. Allele origin: germline.
Comment: Variant summary: COL6A2 c.1911C>G (p.Phe637Leu) results in a non-conservative amino acid change located in the von Willebrand factor (vWF) type A domain (IPR002035) of the encoded protein sequence. Five of five in-silico tools predict a damaging effect of the variant on protein function. The variant was absent in 250486 control chromosomes. The available data on variant occurrences in the general population are insufficient to allow any conclusion about variant significance. c.1911C>G has been reported in the literature in a heterozygous individual affected with congenital myopathy (Savarese_2014). These data do not allow any conclusion about variant significance. To our knowledge, no experimental evidence demonstrating an impact on protein function has been reported. The following publication have been ascertained in the context of this evaluation (PMID: 25214167). No submitters have cited clinical-significance assessments for this variant to ClinVar. Based on the evidence outlined above, the variant was classified as uncertain significance.

Literature cited by the submitters: PubMed 25214167.

NM_001849.4(COL6A2):c.1911C>G (p.Phe637Leu)

Gene: COL6A2 (collagen type VI alpha 2 chain; plus strand). Cytogenetic location: 21q22.3.
Variant type: single nucleotide variant.
Coding change: c.1911C>G on transcript NM_001849.4 (MANE Select); coding-DNA position 1911, C replaced by G.
Protein change: p.Phe637Leu; replaces phenylalanine 637 with leucine.
Molecular consequence: missense variant.
Genome position (GRCh38, 1-based): chr21:46,125,559, C>G. VCF-style: chr21-46125559-C-G. GRCh37 (hg19) VCF-style: chr21-47545473-C-G.
Other names: c.1911C>G, p.Phe637Leu (NM_058174.3, NM_058175.3); short protein forms F637L.
Identifiers: ClinVar variation 3769295 (VCV003769295.2).